The following is an entry in ClinVar:

NM_000096.4(CP):c.1837G>A (p.Asp613Asn)

Gene: CP (ceruloplasmin; minus strand). Cytogenetic location: 3q24.
Variant type: single nucleotide variant.
Coding change: c.1837G>A on transcript NM_000096.4 (MANE Select); coding-DNA position 1837, G replaced by A.
Protein change: p.Asp613Asn; replaces aspartic acid 613 with asparagine.
Molecular consequence: missense variant. On other transcripts: non-coding transcript variant (1).
Genome position (GRCh38, 1-based): chr3:149,188,079, C>T on the plus strand (G>A on the coding strand, the complement: CP is on the minus strand). VCF-style: chr3-149188079-C-T. GRCh37 (hg19) VCF-style: chr3-148905866-C-T.
Other names: short protein forms D613N.
Identifiers: ClinVar variation 1371134 (VCV001371134.1), dbSNP rs750202621, ClinGen allele CA354932800.

ClinVar aggregate classification (germline): Uncertain significance (1 of 4 stars; one submission).

Conditions:
Deficiency of ferroxidase (ACEP). Also called: Deficiency of ceruloplasmin; Aceruloplasminemia; Ceruloplasmin deficiency; Familial apoceruloplasmin deficiency; Hereditary ceruloplasmin deficiency; NEURODEGENERATION WITH BRAIN IRON ACCUMULATION 10. Identifiers: Orphanet 48818, MedGen C0878682, MONDO:0011426, OMIM 604290, HP:0025498.

Submission:

Labcorp Genetics (formerly Invitae), Labcorp
Classification: Uncertain significance for Deficiency of ferroxidase. Last evaluated: 2021-08-11. Review status: criteria provided, single submitter. Criteria: Invitae Variant Classification Sherloc (09022015). Collection method: clinical testing. Allele origin: germline.
Comment: This sequence change replaces aspartic acid with asparagine at codon 613 of the CP protein (p.Asp613Asn). The aspartic acid residue is highly conserved and there is a small physicochemical difference between aspartic acid and asparagine. This variant is not present in population databases (ExAC no frequency). This variant has not been reported in the literature in individuals affected with CP-related conditions. Algorithms developed to predict the effect of missense changes on protein structure and function (SIFT, PolyPhen-2, Align-GVGD) all suggest that this variant is likely to be tolerated. In summary, the available evidence is currently insufficient to determine the role of this variant in disease. Therefore, it has been classified as a Variant of Uncertain Significance.